The following is an entry in ClinVar:

NM_015512.5(DNAH1):c.1252G>A (p.Ala418Thr)

Gene: DNAH1 (dynein axonemal heavy chain 1; plus strand). Cytogenetic location: 3p21.1.
Variant type: single nucleotide variant.
Coding change: c.1252G>A on transcript NM_015512.5 (MANE Select); coding-DNA position 1252, G replaced by A.
Protein change: p.Ala418Thr; replaces alanine 418 with threonine.
Molecular consequence: missense variant.
Genome position (GRCh38, 1-based): chr3:52,332,360, G>A. VCF-style: chr3-52332360-G-A. GRCh37 (hg19) VCF-style: chr3-52366376-G-A.
Other names: short protein forms A418T.
Identifiers: ClinVar variation 2429031 (VCV002429031.4), dbSNP rs2471143808, ClinGen allele CA353082290.

ClinVar aggregate classification (germline): Uncertain significance (1 of 4 stars; one submission).

gnomAD v4.1: 2 of 1,613,858 alleles (0.00012%); no homozygotes.

Submission:

Greenwood Genetic Center Diagnostic Laboratories, Greenwood Genetic Center
Classification: Uncertain significance. Last evaluated: 2022-12-14. Review status: criteria provided, single submitter. Criteria: ACMG Guidelines, 2015. Collection method: clinical testing. Allele origin: germline. Affected: yes.
Comment: Gene of uncertain significance for autosomal dominant condition